The following is an entry in ClinVar:

ClinVar aggregate classification (germline): Uncertain significance. Review status: criteria provided, multiple submitters, no conflicts (2 of 4 stars). 2 submissions from 2 submitters: Uncertain significance (2). Last evaluated 2025-07-15.

Conditions:
Hereditary cancer-predisposing syndrome. Also called: Neoplastic Syndromes, Hereditary; Hereditary Cancer Syndrome; Tumor predisposition; Hereditary neoplastic syndrome. Identifiers: Orphanet 140162, MedGen C0027672, MeSH D009386, MONDO:0015356.

Submissions (2):

Ambry Genetics
Classification: Uncertain significance for Hereditary cancer-predisposing syndrome. Last evaluated: 2025-07-15. Review status: criteria provided, single submitter. Criteria: Ambry Variant Classification Scheme 2023. Collection method: clinical testing. Allele origin: germline.
Comment: The c.7630-3C>A intronic variant results from a C to A substitution 3 nucleotides upstream from coding exon 51 in the ATM gene. This nucleotide position is not well conserved in available vertebrate species. In silico splice site analysis predicts that this alteration will weaken the native splice acceptor site. Based on the available evidence, the clinical significance of this variant remains unclear.

GeneDx
Classification: Uncertain significance. Last evaluated: 2016-11-10. Review status: criteria provided, single submitter. Criteria: GeneDx Variant Classification (06012015). Collection method: clinical testing. Allele origin: germline. Affected: yes.
Comment: This variant is denoted ATM c.7630-3C>A or IVS51-3C>A and consists of a C>A nucleotide substitution at the -3 position of intron 51 of the ATM gene. Multiple in silico models predict this variant to damage the nearby natural acceptor site and to possibly cause abnormal gene splicing. However, in the absence of RNA or functional studies, the actual effect of this variant is unknown. This variant has not, to our knowledge, been published in the literature as pathogenic or benign. ATM c.7630-3C>A was not observed in approximately 6,500 individuals of European and African American ancestry in the NHLBI Exome Sequencing Project, suggesting it is not a common benign variant in these populations. The cytosine (C) nucleotide that is altered is not conserved across species. Based on currently available information, it is unclear whether ATM c.7630-3C>A is pathogenic or benign. We consider it to be a variant of uncertain significance.

NM_000051.4(ATM):c.7630-3C>A

Genes: ATM (ATM serine/threonine kinase; plus strand), C11orf65 (chromosome 11 open reading frame 65; minus strand). Cytogenetic location: 11q22.3.
Variant type: single nucleotide variant.
Coding change: c.7630-3C>A on transcript NM_000051.4 (MANE Select); 3 bases into the intron before coding-DNA position 7630, C replaced by A.
Molecular consequence: intron variant.
Genome position (GRCh38, 1-based): chr11:108,331,876, C>A. VCF-style: chr11-108331876-C-A. GRCh37 (hg19) VCF-style: chr11-108202603-C-A.
Other names: c.7630-3C>A (NM_001351834.2); c.641-22805G>T (NM_001330368.2); c.*38+3344G>T (NM_001351110.2).
Identifiers: ClinVar variation 422726 (VCV000422726.5), dbSNP rs587782448, ClinGen allele CA16619235.